The following is an entry in ClinVar:

ClinVar aggregate classification (germline): Conflicting classifications of pathogenicity. Review status: criteria provided, conflicting classifications (1 of 4 stars). 6 submissions from 6 submitters: Uncertain significance (5); Likely benign (1). Last evaluated 2025-12-15.

Conditions:
Cardiovascular phenotype. Identifiers: MedGen CN230736.
MAP2K2-related disorder. Also called: MAP2K2-related condition.
Cardiofaciocutaneous syndrome 4 (CFC4). Also called: MAP2K2-Related Cardiofaciocutaneous Syndrome. Identifiers: Orphanet 1340, MedGen C3809007, MONDO:0014114, OMIM 615280.
RASopathy. Also called: rasopathies; Noonan spectrum disorder. Identifiers: Orphanet 536391, MedGen C5555857, MONDO:0021060.

Allele frequency attached by ClinVar (database versions not stated): ExAC 0.00005; gnomAD exomes 0.00003; TOPMed 0.00003; gnomAD 0.00005.
gnomAD v4.1: 49 of 1,581,834 alleles (0.0031%); highest among the groups gnomAD compares: Middle Eastern, 0.017%; no homozygotes.

Submissions (6):

Labcorp Genetics (formerly Invitae), Labcorp
Classification: Uncertain significance for RASopathy. Last evaluated: 2025-12-15. Review status: criteria provided, single submitter. Criteria: Invitae Variant Classification Sherloc (09022015). Collection method: clinical testing. Allele origin: germline.
Comment: This sequence change replaces arginine, which is basic and polar, with glutamine, which is neutral and polar, at codon 179 of the MAP2K2 protein (p.Arg179Gln). The frequency data for this variant in the population databases is considered unreliable, as metrics indicate poor data quality at this position in the gnomAD database. This variant has not been reported in the literature in individuals affected with MAP2K2-related conditions. ClinVar contains an entry for this variant (Variation ID: 280819). Invitae Evidence Modeling incorporating data from in vitro experimental studies (internal data) indicates that this missense variant is not expected to disrupt MAP2K2 function with a negative predictive value of 95%. In summary, the available evidence is currently insufficient to determine the role of this variant in disease. Therefore, it has been classified as a Variant of Uncertain Significance.

Women's Health and Genetics/Laboratory Corporation of America, LabCorp
Classification: Uncertain significance. Last evaluated: 2025-06-16. Review status: criteria provided, single submitter. Criteria: LabCorp Variant Classification Summary - May 2015. Collection method: clinical testing. Allele origin: germline.

Fulgent Genetics
Classification: Uncertain significance for Cardiofaciocutaneous syndrome 4. Last evaluated: 2024-04-04. Review status: criteria provided, single submitter. Criteria: ACMG Guidelines, 2015. Collection method: clinical testing. Allele origin: germline.

PreventionGenetics, part of Exact Sciences
Classification: Uncertain significance for MAP2K2-related condition. Last evaluated: 2023-06-01. Review status: criteria provided, single submitter. Criteria: ACMG Guidelines, 2015. Collection method: clinical testing. Allele origin: germline.
Comment: The MAP2K2 c.536G>A variant is predicted to result in the amino acid substitution p.Arg179Gln. To our knowledge, this variant has not been reported in the literature. This variant is reported in 0.012% of alleles in individuals of South Asian descent in gnomAD, which is likely too common to be an undocumented cause of disease (Gelb et al. 2018. PubMed ID: 29493581). Although we suspect that this variant may be benign, at this time, the clinical significance of this variant is uncertain due to the absence of conclusive functional and genetic evidence.

Ambry Genetics
Classification: Uncertain significance for Cardiovascular phenotype. Last evaluated: 2022-02-03. Review status: criteria provided, single submitter. Criteria: Ambry Variant Classification Scheme 2023. Collection method: clinical testing. Allele origin: germline.

GeneDx
Classification: Likely benign. Last evaluated: 2020-11-02. Review status: criteria provided, single submitter. Criteria: GeneDx Variant Classification Process June 2021. Collection method: clinical testing. Allele origin: germline. Affected: yes.

NM_030662.4(MAP2K2):c.536G>A (p.Arg179Gln)

Gene: MAP2K2 (mitogen-activated protein kinase kinase 2; minus strand). Cytogenetic location: 19p13.3.
Variant type: single nucleotide variant.
Coding change: c.536G>A on transcript NM_030662.4 (MANE Select); coding-DNA position 536, G replaced by A.
Protein change: p.Arg179Gln; replaces arginine 179 with glutamine.
Molecular consequence: missense variant.
Genome position (GRCh38, 1-based): chr19:4,101,273, C>T on the plus strand (G>A on the coding strand, the complement: MAP2K2 is on the minus strand). VCF-style: chr19-4101273-C-T. GRCh37 (hg19) VCF-style: chr19-4101271-C-T.
Other names: short protein forms R179Q.
Identifiers: ClinVar variation 280819 (VCV000280819.15), dbSNP rs776316565, ClinGen allele CA9090906.